The following is an entry in ClinVar:

NM_002485.5(NBN):c.2090G>A (p.Gly697Glu)

Gene: NBN (nibrin; minus strand). Cytogenetic location: 8q21.3.
Variant type: single nucleotide variant.
Coding change: c.2090G>A on transcript NM_002485.5 (MANE Select); coding-DNA position 2090, G replaced by A.
Protein change: p.Gly697Glu; replaces glycine 697 with glutamic acid.
Molecular consequence: missense variant.
Genome position (GRCh38, 1-based): chr8:89,943,347, C>T on the plus strand (G>A on the coding strand, the complement: NBN is on the minus strand). VCF-style: chr8-89943347-C-T. GRCh37 (hg19) VCF-style: chr8-90955575-C-T.
Other names: c.1844G>A, p.Gly615Glu (NM_001024688.3); short protein forms G697E, G615E.
Identifiers: ClinVar variation 2090284 (VCV002090284.5), dbSNP rs2488191810, ClinGen allele CA371675814.
Genomic context (GRCh38, chr8:89,943,347, plus strand): 5'-GTATTCTTTCGAGCATGATGAGCTATTAGATCTGATCCTCCAATGATGTGTGGAAGTTTT[C>T]CTGCTCCAGGATATGTGACCTATTGAATAATAAAAGTAGTACAGTAAATCATATTAACAA-3'
Protein context (NP_002476.2, residues 687-707): KFKKVTYPGA[Gly697Glu]KLPHIIGGSD

ClinVar aggregate classification (germline): Uncertain significance. Review status: criteria provided, multiple submitters, no conflicts (2 of 4 stars). 2 submissions from 2 submitters: Uncertain significance (2). Last evaluated 2025-05-26.

Conditions:
Hereditary cancer-predisposing syndrome. Also called: Tumor predisposition; Neoplastic Syndromes, Hereditary; Hereditary neoplastic syndrome; Hereditary Cancer Syndrome. Identifiers: Orphanet 140162, MedGen C0027672, MeSH D009386, MONDO:0015356.
Microcephaly, normal intelligence and immunodeficiency (NBS). Also called: Immunodeficiency, microcephaly with normal intelligence; Ataxia telangiectasia variant V1; BERLIN BREAKAGE SYNDROME; Nijmegen breakage syndrome; Microcephaly with normal intelligence immunodeficiency and lymphoreticular malignancies; Nonsyndromal microcephaly autosomal recessive with normal intelligence. Identifiers: Orphanet 647, MedGen C0398791, MONDO:0009623, OMIM 251260.

Submissions (2):

Ambry Genetics
Classification: Uncertain significance for Hereditary cancer-predisposing syndrome. Last evaluated: 2025-05-26. Review status: criteria provided, single submitter. Criteria: Ambry Variant Classification Scheme 2023. Collection method: clinical testing. Allele origin: germline.
Comment: The p.G697E variant (also known as c.2090G>A), located in coding exon 14 of the NBN gene, results from a G to A substitution at nucleotide position 2090. The glycine at codon 697 is replaced by glutamic acid, an amino acid with similar properties. This amino acid position is conserved. In addition, the in silico prediction for this alteration is inconclusive. Based on the available evidence, the clinical significance of this variant remains unclear.

Labcorp Genetics (formerly Invitae), Labcorp
Classification: Uncertain significance for Microcephaly, normal intelligence and immunodeficiency. Last evaluated: 2022-01-27. Review status: criteria provided, single submitter. Criteria: Invitae Variant Classification Sherloc (09022015). Collection method: clinical testing. Allele origin: germline.
Comment: In summary, the available evidence is currently insufficient to determine the role of this variant in disease. Therefore, it has been classified as a Variant of Uncertain Significance. Algorithms developed to predict the effect of missense changes on protein structure and function are either unavailable or do not agree on the potential impact of this missense change (SIFT: "Tolerated"; PolyPhen-2: "Possibly Damaging"; Align-GVGD: "Class C0"). This variant has not been reported in the literature in individuals affected with NBN-related conditions. This variant is not present in population databases (gnomAD no frequency). This sequence change replaces glycine, which is neutral and non-polar, with glutamic acid, which is acidic and polar, at codon 697 of the NBN protein (p.Gly697Glu).